The following is an entry in ClinVar:

ClinVar aggregate classification (germline): Uncertain significance (1 of 4 stars; one submission).

Allele frequency attached by ClinVar (database versions not stated): gnomAD 0.00003.
gnomAD v4.1: 8 of 1,613,564 alleles (0.0005%); highest among the groups gnomAD compares: Admixed American, 0.005%; no homozygotes.

Submission:

Labcorp Genetics (formerly Invitae), Labcorp
Classification: Uncertain significance. Last evaluated: 2025-03-30. Review status: criteria provided, single submitter. Criteria: Invitae Variant Classification Sherloc (09022015). Collection method: clinical testing. Allele origin: germline.
Comment: This sequence change replaces alanine, which is neutral and non-polar, with threonine, which is neutral and polar, at codon 598 of the SETD5 protein (p.Ala598Thr). This variant is present in population databases (no rsID available, gnomAD 0.04%), and has an allele count higher than expected for a pathogenic variant. This variant has not been reported in the literature in individuals affected with SETD5-related conditions. ClinVar contains an entry for this variant (Variation ID: 1924425). Invitae Evidence Modeling of protein sequence and biophysical properties (such as structural, functional, and spatial information, amino acid conservation, physicochemical variation, residue mobility, and thermodynamic stability) indicates that this missense variant is not expected to disrupt SETD5 protein function with a negative predictive value of 80%. In summary, the available evidence is currently insufficient to determine the role of this variant in disease. Therefore, it has been classified as a Variant of Uncertain Significance.

NM_001080517.3(SETD5):c.1792G>A (p.Ala598Thr)

Gene: SETD5 (SET domain containing 5; plus strand). Cytogenetic location: 3p25.3.
Variant type: single nucleotide variant.
Coding change: c.1792G>A on transcript NM_001080517.3 (MANE Select); coding-DNA position 1792, G replaced by A.
Protein change: p.Ala598Thr; replaces alanine 598 with threonine.
Molecular consequence: missense variant.
Genome position (GRCh38, 1-based): chr3:9,447,695, G>A. VCF-style: chr3-9447695-G-A. GRCh37 (hg19) VCF-style: chr3-9489379-G-A.
Other names: c.1498G>A, p.Ala500Thr (NM_001292043.2, NM_001349451.2); short protein forms A500T, A598T.
Identifiers: ClinVar variation 1924425 (VCV001924425.5), dbSNP rs770751105, ClinGen allele CA351696777.